The following is an entry in ClinVar:

ClinVar aggregate classification (germline): Pathogenic/Likely pathogenic. Review status: criteria provided, multiple submitters, no conflicts (2 of 4 stars). 2 submissions from 2 submitters: Pathogenic (1); Likely pathogenic (1). Last evaluated 2023-03-28.

Conditions:
Leukemia, acute lymphocytic, susceptibility to, 1. Identifiers: MedGen C2751595, MONDO:0013108.
Microcephaly, normal intelligence and immunodeficiency (NBS). Also called: IMMUNODEFICIENCY, MICROCEPHALY, AND CHROMOSOMAL INSTABILITY; SEEMANOVA SYNDROME II; Nijmegen breakage syndrome; Microcephaly with normal intelligence immunodeficiency and lymphoreticular malignancies; Nonsyndromal microcephaly autosomal recessive with normal intelligence; Seemanova syndrome 2. Identifiers: Orphanet 647, MedGen C0398791, MONDO:0009623, OMIM 251260.

Submissions (2):

Labcorp Genetics (formerly Invitae), Labcorp
Classification: Pathogenic for Microcephaly, normal intelligence and immunodeficiency. Last evaluated: 2023-03-28. Review status: criteria provided, single submitter. Criteria: Invitae Variant Classification Sherloc (09022015). Collection method: clinical testing. Allele origin: germline.
Comment: ClinVar contains an entry for this variant (Variation ID: 461506). This sequence change creates a premature translational stop signal (p.Gln460Serfs*11) in the NBN gene. It is expected to result in an absent or disrupted protein product. Loss-of-function variants in NBN are known to be pathogenic (PMID: 9590180, 16415040). This variant is not present in population databases (gnomAD no frequency). This variant has not been reported in the literature in individuals affected with NBN-related conditions. For these reasons, this variant has been classified as Pathogenic.

Institute for Genomic Medicine (IGM) Clinical Laboratory, Nationwide Children's Hospital
Classification: Likely pathogenic for Leukemia, acute lymphocytic, susceptibility to, 1. Last evaluated: 2023-01-16. Review status: criteria provided, single submitter. Criteria: ACMG Guidelines, 2015. Collection method: clinical testing. Allele origin: germline.
Comment: This variant is predicted to result in loss of function through nonsense-mediated decay of the encoded transcript or premature truncation of the encoded protein in a gene in which loss of function is a known mechanism of disease (ACMG/AMP: PVS1; PMIDs:17957789, 22864661). This variant is absent from or present at an exceedingly low frequency in gnomAD, a large-scale control population database (ACMG/AMP: PM2).

Literature cited by the submitters: PubMed 9590180 (cited by Labcorp Genetics (formerly Invitae), Labcorp); PubMed 16415040 (cited by Labcorp Genetics (formerly Invitae), Labcorp); PubMed 17957789 (cited by Institute for Genomic Medicine (IGM) Clinical Laboratory, Nationwide Children's Hospital); PubMed 22864661 (cited by Institute for Genomic Medicine (IGM) Clinical Laboratory, Nationwide Children's Hospital).

NM_002485.5(NBN):c.1377dup (p.Gln460fs)

Gene: NBN (nibrin; minus strand). Cytogenetic location: 8q21.3.
Variant type: Duplication.
Coding change: c.1377dup on transcript NM_002485.5 (MANE Select); coding-DNA position 1377, one base duplicated (T; older notation c.1377dupT).
Protein change: p.Gln460fs; shifts the reading frame from glutamine 460.
Molecular consequence: frameshift variant.
Genome position (GRCh38, 1-based): chr8:89,955,303, A duplicated on the plus strand (T on the coding strand, the reverse complement: NBN is on the minus strand); the first of 3 consecutive A bases (chr8:89,955,303-89,955,305); duplicating any one gives the same sequence. VCF-style (leftmost placement, unchanged base first): chr8-89955302-G-GA. GRCh37 (hg19) VCF-style: chr8-90967530-G-GA.
Other names: c.1377dupT (NM_002485.4); c.1131dup, p.Gln378fs (NM_001024688.3); short protein forms Q378fs, Q460fs.
Identifiers: ClinVar variation 461506 (VCV000461506.7), dbSNP rs1554559028, ClinGen allele CA658657798.